The following is an entry in ClinVar:

ClinVar aggregate classification (germline): Uncertain significance (1 of 4 stars; one submission).

Conditions:
Hereditary cancer-predisposing syndrome. Also called: Hereditary neoplastic syndrome; Neoplastic Syndromes, Hereditary; Tumor predisposition; Hereditary Cancer Syndrome. Identifiers: Orphanet 140162, MedGen C0027672, MeSH D009386, MONDO:0015356.

Submission:

Ambry Genetics
Classification: Uncertain significance for Hereditary cancer-predisposing syndrome. Last evaluated: 2025-02-15. Review status: criteria provided, single submitter. Criteria: Ambry Variant Classification Scheme 2023. Collection method: clinical testing. Allele origin: germline.
Comment: The p.N1522Y variant (also known as c.4564A>T), located in coding exon 34 of the TSC2 gene, results from an A to T substitution at nucleotide position 4564. The asparagine at codon 1522 is replaced by tyrosine, an amino acid with dissimilar properties. This amino acid position is conserved. In addition, this alteration is predicted to be deleterious by in silico analysis. Based on the available evidence, the clinical significance of this variant remains unclear.

NM_000548.5(TSC2):c.4564A>T (p.Asn1522Tyr)

Gene: TSC2 (TSC complex subunit 2; plus strand). Cytogenetic location: 16p13.3.
Variant type: single nucleotide variant.
Coding change: c.4564A>T on transcript NM_000548.5 (MANE Select); coding-DNA position 4564, A replaced by T.
Protein change: p.Asn1522Tyr; replaces asparagine 1522 with tyrosine.
Molecular consequence: missense variant. On other transcripts: non-coding transcript variant (5).
Genome position (GRCh38, 1-based): chr16:2,085,021, A>T. VCF-style: chr16-2085021-A-T. GRCh37 (hg19) VCF-style: chr16-2135022-A-T.
Other names: c.4363A>T, p.Asn1455Tyr (NM_001077183.3); c.4495A>T, p.Asn1499Tyr (NM_001114382.3); c.4255A>T, p.Asn1419Tyr (NM_001318827.2); c.4219A>T, p.Asn1407Tyr (NM_001318829.2); c.3832A>T, p.Asn1278Tyr (NM_001318831.2); c.4396A>T, p.Asn1466Tyr (NM_001318832.2); c.4366A>T, p.Asn1456Tyr (NM_001363528.2); c.4432A>T, p.Asn1478Tyr (NM_001370404.1); and 26 more; short protein forms N1256Y, N1298Y, N1302Y, N1419Y, N1436Y, N1449Y, N1452Y, N1456Y.
Identifiers: ClinVar variation 3811359 (VCV003811359.1).